The following is an entry in ClinVar:

ClinVar aggregate classification (germline): Benign/Likely benign. Review status: criteria provided, multiple submitters, no conflicts (2 of 4 stars). 8 submissions from 8 submitters: Benign (7); Likely benign (1). Last evaluated 2026-09-01.

Conditions:
Diamond-Blackfan anemia. Also called: Blackfan Diamond syndrome; Aregenerative anemia chronic congenital; Red cell aplasia, pure hereditary; Congenital hypoplastic anemia; Aase syndrome. Identifiers: Orphanet 124, MedGen C1260899, MeSH D029503, MONDO:0015253, HP:0004810.
Diamond-Blackfan anemia 1 (DBA1). Also called: BLACKFAN-DIAMOND SYNDROME; ANEMIA, CONGENITAL HYPOPLASTIC, OF BLACKFAN AND DIAMOND; ANEMIA, CONGENITAL ERYTHROID HYPOPLASTIC; RED CELL APLASIA, PURE, HEREDITARY; AREGENERATIVE ANEMIA, CHRONIC CONGENITAL; ERYTHROGENESIS IMPERFECTA. Identifiers: Orphanet 124, MedGen C2676137, MONDO:0007110, OMIM 105650.

Allele frequency attached by ClinVar (database versions not stated): TOPMed 0.00249; gnomAD 0.00287 and 0.00300; ESP Exome Variant Server 0.00315; 1000 Genomes Project 0.00359; 1000 Genomes Project 30x 0.00375; gnomAD exomes 0.00482; ExAC 0.00565.
gnomAD v4.1: 7,112 of 1,613,908 alleles (0.44%); highest among the groups gnomAD compares: South Asian, 1%; 47 homozygotes.

Submissions (8):

CeGaT Center for Human Genetics Tuebingen
Classification: Benign. Last evaluated: 2026-09-01. Review status: criteria provided, single submitter. Criteria: CeGaT Center For Human Genetics Tuebingen Variant Classification Criteria Version 2. Collection method: clinical testing. Allele origin: germline. Affected: yes. Observed: 2 variant alleles.
Comment: RPS19: BS1, BS2

Labcorp Genetics (formerly Invitae), Labcorp
Classification: Benign for Diamond-Blackfan anemia. Last evaluated: 2026-01-27. Review status: criteria provided, single submitter. Criteria: Invitae Variant Classification Sherloc (09022015). Collection method: clinical testing. Allele origin: germline.

ARUP Laboratories, Molecular Genetics and Genomics, ARUP Laboratories
Classification: Benign for Diamond-Blackfan anemia 1. Last evaluated: 2025-03-06. Review status: criteria provided, single submitter. Criteria: ARUP Molecular Germline Variant Investigation Process 2024. Collection method: clinical testing. Allele origin: germline.

Blueprint Genetics
Classification: Likely benign. Last evaluated: 2024-11-27. Review status: criteria provided, single submitter. Criteria: ACMG Guidelines, 2015. Collection method: clinical testing. Allele origin: germline.

Genetic Services Laboratory, University of Chicago
Classification: Benign. Last evaluated: 2018-02-26. Review status: criteria provided, single submitter. Criteria: ACMG Guidelines, 2015. Collection method: clinical testing. Allele origin: germline. Affected: no.

Illumina Laboratory Services, Illumina
Classification: Benign for Diamond-Blackfan anemia 1. Last evaluated: 2018-01-12. Review status: criteria provided, single submitter. Criteria: ICSL Variant Classification Criteria 13 December 2019. Collection method: clinical testing. Allele origin: germline.
Comment: This variant was observed in the ICSL laboratory as part of a predisposition screen in an ostensibly healthy population. It had not been previously curated by ICSL or reported in the Human Gene Mutation Database (HGMD: prior to June 1st, 2018), and was therefore a candidate for classification through an automated scoring system. Utilizing variant allele frequency, disease prevalence and penetrance estimates, and inheritance mode, an automated score was calculated to assess if this variant is too frequent to cause the disease. Based on the score and internal cut-off values, a variant classified as benign is not then subjected to further curation. The score for this variant resulted in a classification of benign for this disease.

GeneDx
Classification: Benign. Last evaluated: 2015-03-03. Review status: criteria provided, single submitter. Criteria: GeneDx Variant Classification Process June 2021. Collection method: clinical testing. Allele origin: germline. Affected: yes.

Breakthrough Genomics
Classification: Benign. Review status: criteria provided, single submitter. Criteria: ACMG Guidelines, 2015. Collection method: not provided. Allele origin: germline. Inheritance: Autosomal dominant inheritance. Affected: yes.

NM_001022.4(RPS19):c.411+12G>A

Genes: RPS19 (ribosomal protein S19; plus strand), RPS19-CD79A (RPS19-CD79A readthrough; plus strand). Cytogenetic location: 19q13.2.
Variant type: single nucleotide variant.
Coding change: c.411+12G>A on transcript NM_001022.4 (MANE Select); 12 bases into the intron after coding-DNA position 411, G replaced by A.
Molecular consequence: intron variant.
Genome position (GRCh38, 1-based): chr19:41,869,765, G>A. VCF-style: chr19-41869765-G-A. GRCh37 (hg19) VCF-style: chr19-42373835-G-A.
Other names: c.411+12G>A (NM_001321484.2, NM_001321483.2); c.424+12G>A (NM_001321485.2).
Identifiers: ClinVar variation 212065 (VCV000212065.47), dbSNP rs61762296, ClinGen allele CA208723.